The following is an entry in ClinVar:

ClinVar aggregate classification (germline): Pathogenic (1 of 4 stars; one submission).

Allele frequency attached by ClinVar (database versions not stated): gnomAD exomes below 0.00001.

Submission:

Labcorp Genetics (formerly Invitae), Labcorp
Classification: Pathogenic. Last evaluated: 2023-03-14. Review status: criteria provided, single submitter. Criteria: Invitae Variant Classification Sherloc (09022015). Collection method: clinical testing. Allele origin: germline.
Comment: For these reasons, this variant has been classified as Pathogenic. This variant has not been reported in the literature in individuals affected with PCNT-related conditions. This variant is not present in population databases (gnomAD no frequency). This sequence change creates a premature translational stop signal (p.Arg1307Glyfs*10) in the PCNT gene. It is expected to result in an absent or disrupted protein product. Loss-of-function variants in PCNT are known to be pathogenic (PMID: 18174396, 22821869).

Literature cited by the submitters: PubMed 18174396; PubMed 22821869.

NM_006031.6(PCNT):c.3919del (p.Arg1307fs)

Gene: PCNT (pericentrin; plus strand). Cytogenetic location: 21q22.3.
Variant type: Deletion.
Coding change: c.3919del on transcript NM_006031.6 (MANE Select); coding-DNA position 3919, one base deleted (A; older notation c.3919delA).
Protein change: p.Arg1307fs; shifts the reading frame from arginine 1307.
Molecular consequence: frameshift variant.
Genome position (GRCh38, 1-based): chr21:46,390,748, A deleted. VCF-style (leftmost placement, unchanged base first): chr21-46390747-CA-C. GRCh37 (hg19) VCF-style: chr21-47810662-CA-C.
Other names: c.3565del, p.Arg1189fs (NM_001315529.2); short protein forms R1189fs, R1307fs.
Identifiers: ClinVar variation 2784346 (VCV002784346.3), dbSNP rs2518545061, ClinGen allele CA2655021971.